The following is an entry in ClinVar:

ClinVar aggregate classification (germline): Pathogenic. Review status: criteria provided, multiple submitters, no conflicts (2 of 4 stars). 4 submissions from 4 submitters: Pathogenic (4). Last evaluated 2023-07-17.

Conditions:
Marfan syndrome (MFS). Also called: MARFAN SYNDROME, TYPE I; FBN1-Related Marfan Syndrome; Marfan syndrome, classic; Marfan syndrome type 1; Marfan's syndrome. Identifiers: Orphanet 284963, Orphanet 558, MedGen C0024796, MONDO:0007947, OMIM 154700.
Familial thoracic aortic aneurysm and aortic dissection (TAAD). Also called: Thoracic aortic aneurysms and dissections. Identifiers: Orphanet 91387, MedGen C4707243, MONDO:0019625.

Submissions (4):

Labcorp Genetics (formerly Invitae), Labcorp
Classification: Pathogenic for Marfan syndrome; Familial thoracic aortic aneurysm and aortic dissection. Last evaluated: 2023-07-17. Review status: criteria provided, single submitter. Criteria: Invitae Variant Classification Sherloc (09022015). Collection method: clinical testing. Allele origin: germline.
Comment: For these reasons, this variant has been classified as Pathogenic. Algorithms developed to predict the effect of sequence changes on RNA splicing suggest that this variant may disrupt the consensus splice site. ClinVar contains an entry for this variant (Variation ID: 222615). This premature translational stop signal has been observed in individual(s) with Marfan syndrome (PMID: 31730815). This variant is not present in population databases (gnomAD no frequency). This sequence change creates a premature translational stop signal (p.Tyr2716*) in the FBN1 gene. It is expected to result in an absent or disrupted protein product. Loss-of-function variants in FBN1 are known to be pathogenic (PMID: 17657824, 19293843).

GeneDx
Classification: Pathogenic. Last evaluated: 2022-08-02. Review status: criteria provided, single submitter. Criteria: GeneDx Variant Classification Process June 2021. Collection method: clinical testing. Allele origin: germline. Affected: yes.
Comment: Has not been previously published as pathogenic or benign to our knowledge; Not observed at significant frequency in large population cohorts (gnomAD); Nonsense variant predicted to result in protein truncation or nonsense mediated decay in a gene for which loss of function is a known mechanism of disease

Centre of Medical Genetics, University of Antwerp
Classification: Pathogenic for Marfan syndrome. Last evaluated: 2021-03-01. Review status: criteria provided, single submitter. Criteria: Submitter's publication. Collection method: research. Allele origin: unknown. Affected: yes.
Comment: PM2, PVS1, PP4

Ambry Genetics
Classification: Pathogenic for Familial thoracic aortic aneurysm and aortic dissection. Last evaluated: 2020-08-11. Review status: criteria provided, single submitter. Criteria: Ambry Variant Classification Scheme 2023. Collection method: clinical testing. Allele origin: germline.
Comment: The p.Y2716* pathogenic mutation (also known as c.8148C>G), located in coding exon 64 of the FBN1 gene, results from a C to G substitution at nucleotide position 8148. This changes the amino acid from a tyrosine to a stop codon within coding exon 64. A different nucleotide change (c.8147dupA) resulting in the same protein impact has been reported in association with Marfan syndrome and aortic dissection (Proost D et al. Hum. Mutat., 2015 Aug;36:808-14; Fang M et al. Sci Rep, 2017 08;7:10035; Mannucci L et al. Clin. Chim. Acta, 2020 Feb;501:154-164). This alteration is expected to result in loss of function by premature protein truncation or nonsense-mediated mRNA decay. As such, this alteration is interpreted as a disease-causing mutation.

Literature cited by the submitters: PubMed 31730815 (cited by Labcorp Genetics (formerly Invitae), Labcorp and Ambry Genetics); PubMed 17657824 (cited by Labcorp Genetics (formerly Invitae), Labcorp); PubMed 19293843 (cited by Labcorp Genetics (formerly Invitae), Labcorp); PubMed 25907466 (cited by Ambry Genetics); PubMed 28855619 (cited by Ambry Genetics).

NM_000138.5(FBN1):c.8148C>G (p.Tyr2716Ter)

Gene: FBN1 (fibrillin 1; minus strand). Cytogenetic location: 15q21.1.
Variant type: single nucleotide variant.
Coding change: c.8148C>G on transcript NM_000138.5 (MANE Select); coding-DNA position 8148, C replaced by G.
Protein change: p.Tyr2716Ter; replaces tyrosine 2716 with a stop codon.
Molecular consequence: nonsense.
Genome position (GRCh38, 1-based): chr15:48,412,647, G>C on the plus strand (C>G on the coding strand, the complement: FBN1 is on the minus strand). VCF-style: chr15-48412647-G-C. GRCh37 (hg19) VCF-style: chr15-48704844-G-C.
Other names: short protein forms Y2716*.
Identifiers: ClinVar variation 222615 (VCV000222615.24), dbSNP rs112642323, ClinGen allele CA353671.